The following is an entry in ClinVar:

NM_000202.8:c.(?_1)_(1653_?)del

Gene: IDS (iduronate 2-sulfatase; minus strand).
Variant type: Deletion.
Other names: c.(?_1)_(1653_?)del (NM_000202.8).
Identifiers: ClinVar variation 4528906 (VCV004528906.1).

ClinVar aggregate classification (germline): Pathogenic (1 of 4 stars; one submission).

Conditions:
Mucopolysaccharidosis, MPS-II (MPS2). Also called: Attenuated MPS (subtype; formerly known as mild MPS II); Severe MPS II; I2S deficiency; MPS 2; Hunter Syndrome; IDURONATE 2-SULFATASE DEFICIENCY. Identifiers: Orphanet 580, Orphanet 79388, MedGen C0026705, MONDO:0010674, OMIM 309900.

Submission:

Medical Genetic Diagnosis and Therapy Center, Fujian Medical University
Classification: Pathogenic for Mucopolysaccharidosis, MPS-II. Last evaluated: 2025-10-27. Review status: criteria provided, single submitter. Criteria: ACMG Guidelines, 2015. Collection method: clinical testing. Allele origin: germline. Affected: yes.
Comment: P: PVS1+PS4+PM2+PP1. This variant has been reported in the following publication(s): [1] Steén-Bondeson M L, Dahl N, Tönnesen T, et al. Molecular analysis of patients with Hunter syndrome: implication of a region prone to structural alterations within the IDS gene[J]. Human molecular genetics, 1992, 1(3): 195-198. [2] Brusius‐Facchin A C, De Souza C F M, Schwartz I V D, et al. Severe phenotype in MPS II patients associated with a large deletion including contiguous genes[J]. American Journal of Medical Genetics Part A, 2012, 158(5): 1055-1059.

Literature cited by the submitters: PubMed 1303177; 22492741.